The following is an entry in ClinVar:

ClinVar aggregate classification (germline): Uncertain significance. Review status: criteria provided, multiple submitters, no conflicts (2 of 4 stars). 4 submissions from 4 submitters: Uncertain significance (4). Last evaluated 2026-01-20.

Conditions:
Cardiovascular phenotype. Identifiers: MedGen CN230736.
Ehlers-Danlos syndrome (EDS). Identifiers: Orphanet 98249, MedGen C0013720, MONDO:0020066.
Ehlers-Danlos syndrome, musculocontractural type (EDSMC). Also called: Adducted thumb, clubfoot, progressive joint and skin laxity syndrome; ADDUCTED THUMB-CLUBFOOT SYNDROME; ARTHROGRYPOSIS, DISTAL, WITH PECULIAR FACIES AND HYDRONEPHROSIS; DUNDAR SYNDROME. Identifiers: Orphanet 2953, MedGen C1866294, MONDO:0011142.

Allele frequency attached by ClinVar (database versions not stated): gnomAD exomes below 0.00001 and 0.00001; TOPMed 0.00001; gnomAD 0.00003 and 0.00004.
gnomAD v4.1: 16 of 1,612,778 alleles (0.00099%); highest among the groups gnomAD compares: African/African-American, 0.019%; 1 homozygote.

Submissions (4):

Labcorp Genetics (formerly Invitae), Labcorp
Classification: Uncertain significance for Ehlers-Danlos syndrome, musculocontractural type. Last evaluated: 2026-01-20. Review status: criteria provided, single submitter. Criteria: Invitae Variant Classification Sherloc (09022015). Collection method: clinical testing. Allele origin: germline.
Comment: This sequence change replaces glutamine, which is neutral and polar, with proline, which is neutral and non-polar, at codon 133 of the CHST14 protein (p.Gln133Pro). This variant is present in population databases (no rsID available, gnomAD 0.008%). This variant has not been reported in the literature in individuals affected with CHST14-related conditions. ClinVar contains an entry for this variant (Variation ID: 501222). Invitae Evidence Modeling of protein sequence and biophysical properties (such as structural, functional, and spatial information, amino acid conservation, physicochemical variation, residue mobility, and thermodynamic stability) indicates that this missense variant is not expected to disrupt CHST14 protein function with a negative predictive value of 80%. In summary, the available evidence is currently insufficient to determine the role of this variant in disease. Therefore, it has been classified as a Variant of Uncertain Significance.

Ambry Genetics
Classification: Uncertain significance for Cardiovascular phenotype. Last evaluated: 2024-05-02. Review status: criteria provided, single submitter. Criteria: Ambry Variant Classification Scheme 2023. Collection method: clinical testing. Allele origin: germline.
Comment: The p.Q133P variant (also known as c.398A>C), located in coding exon 1 of the CHST14 gene, results from an A to C substitution at nucleotide position 398. The glutamine at codon 133 is replaced by proline, an amino acid with similar properties. This amino acid position is conserved. In addition, the in silico prediction for this alteration is inconclusive. Based on the available evidence, the clinical significance of this variant remains unclear.

Genome Diagnostics Laboratory, The Hospital for Sick Children
Classification: Uncertain significance for Ehlers-Danlos syndrome. Last evaluated: 2018-08-07. Review status: criteria provided, single submitter. Criteria: ACMG Guidelines, 2015. Collection method: clinical testing. Allele origin: germline.

Eurofins Ntd Llc (ga)
Classification: Uncertain significance. Last evaluated: 2017-04-17. Review status: criteria provided, single submitter. Criteria: EGL Classification Definitions 2015. Collection method: clinical testing. Allele origin: germline. Observed: 1 variant allele, 1 heterozygote.

NM_130468.4(CHST14):c.398A>C (p.Gln133Pro)

Gene: CHST14 (carbohydrate sulfotransferase 14; plus strand). Cytogenetic location: 15q15.1.
Variant type: single nucleotide variant.
Coding change: c.398A>C on transcript NM_130468.4 (MANE Select); coding-DNA position 398, A replaced by C.
Protein change: p.Gln133Pro; replaces glutamine 133 with proline.
Molecular consequence: missense variant.
Genome position (GRCh38, 1-based): chr15:40,471,611, A>C. VCF-style: chr15-40471611-A-C. GRCh37 (hg19) VCF-style: chr15-40763810-A-C.
Other names: short protein forms Q133P.
Identifiers: ClinVar variation 501222 (VCV000501222.15), dbSNP rs866817984, ClinGen allele CA268822392.